The following is an entry in ClinVar:

ClinVar aggregate classification (germline): Likely benign (0 of 4 stars; one submission).

Conditions:
C16orf58-related condition.

gnomAD v4.1: 9 of 1,614,016 alleles (0.00056%); highest among the groups gnomAD compares: Admixed American, 0.013%; no homozygotes.

Submission:

PreventionGenetics, part of Exact Sciences
Classification: Likely benign for C16orf58-related condition. Last evaluated: 2019-06-07. Review status: no assertion criteria provided. Collection method: clinical testing. Allele origin: germline.
Comment: This variant is classified as likely benign based on ACMG/AMP sequence variant interpretation guidelines (Richards et al. 2015 PMID: 25741868, with internal and published modifications).

NM_022744.4(RUSF1):c.*601C>G

Genes: RUSF1 (RUS family member 1; minus strand), SLC5A2 (solute carrier family 5 member 2; plus strand). Cytogenetic location: 16p11.2.
Variant type: single nucleotide variant.
Coding change: c.*601C>G on transcript NM_022744.4 (MANE Select); 601 bases downstream of the stop codon, C replaced by G.
Molecular consequence: 3 prime UTR variant. On other transcripts: intron variant (1).
Genome position (GRCh38, 1-based): chr16:31,490,234, G>C on the plus strand (C>G on the coding strand, the complement: RUSF1 is on the minus strand). VCF-style: chr16-31490234-G-C. GRCh37 (hg19) VCF-style: chr16-31501555-G-C.
Other names: c.1792+4G>C (NM_003041.4).
Identifiers: ClinVar variation 3350344 (VCV003350344.1).